The following is an entry in ClinVar:

ClinVar aggregate classification (germline): Uncertain significance. Review status: criteria provided, multiple submitters, no conflicts (2 of 4 stars). 2 submissions from 2 submitters: Uncertain significance (2). Last evaluated 2025-08-26.

Conditions:
Malignant hyperthermia, susceptibility to, 1 (MHS1). Also called: RYR1-Related Malignant Hyperthermia Susceptibility; Anesthesia related hyperthermia; Malignant hyperpyrexia; Fulminating hyperpyrexia; Pharmacogenic myopathy; Malignant hyperthermia suceptibility 1. Identifiers: Orphanet 423, MedGen C2930980, MONDO:0007783, OMIM 145600.
RYR1-related disorder. Also called: RYR1-related disorders; RYR1-related condition. Identifiers: MedGen CN239331.

Allele frequency attached by ClinVar (database versions not stated): TOPMed below 0.00001; gnomAD 0.00001.
gnomAD v4.1: 15 of 1,612,986 alleles (0.00093%); highest among the groups gnomAD compares: South Asian, 0.0055%; no homozygotes.

Submissions (2):

Color Diagnostics, LLC DBA Color Health
Classification: Uncertain significance for Malignant hyperthermia, susceptibility to, 1. Last evaluated: 2025-08-26. Review status: criteria provided, single submitter. Criteria: ACMG Guidelines, 2015. Collection method: clinical testing. Allele origin: germline.
Comment: This missense variant replaces valine with methionine at codon 1471 of the RYR1 protein. Computational prediction suggests that this variant may not impact protein structure and function. To our knowledge, functional studies have not been reported for this variant. This variant has not been reported in individuals affected with RYR1-related disorders in the literature. This variant has been identified in 1/251064 chromosomes in the general population by the Genome Aggregation Database (gnomAD). The available evidence is insufficient to determine the role of this variant in disease conclusively. Therefore, this variant is classified as a Variant of Uncertain Significance.

Labcorp Genetics (formerly Invitae), Labcorp
Classification: Uncertain significance for RYR1-related disorder. Last evaluated: 2022-05-29. Review status: criteria provided, single submitter. Criteria: Invitae Variant Classification Sherloc (09022015). Collection method: clinical testing. Allele origin: germline.
Comment: This sequence change replaces valine, which is neutral and non-polar, with methionine, which is neutral and non-polar, at codon 1471 of the RYR1 protein (p.Val1471Met). This variant is present in population databases (no rsID available, gnomAD 0.006%). This variant has not been reported in the literature in individuals affected with RYR1-related conditions. Advanced modeling of protein sequence and biophysical properties (such as structural, functional, and spatial information, amino acid conservation, physicochemical variation, residue mobility, and thermodynamic stability) performed at Invitae indicates that this missense variant is not expected to disrupt RYR1 protein function. In summary, the available evidence is currently insufficient to determine the role of this variant in disease. Therefore, it has been classified as a Variant of Uncertain Significance.

NM_000540.3(RYR1):c.4411G>A (p.Val1471Met)

Gene: RYR1 (ryanodine receptor 1; plus strand). Cytogenetic location: 19q13.2.
Variant type: single nucleotide variant.
Coding change: c.4411G>A on transcript NM_000540.3 (MANE Select); coding-DNA position 4411, G replaced by A.
Protein change: p.Val1471Met; replaces valine 1471 with methionine.
Molecular consequence: missense variant.
Genome position (GRCh38, 1-based): chr19:38,477,827, G>A. VCF-style: chr19-38477827-G-A. GRCh37 (hg19) VCF-style: chr19-38968467-G-A.
Other names: c.4411G>A, p.Val1471Met (NM_001042723.2); short protein forms V1471M.
Identifiers: ClinVar variation 2081808 (VCV002081808.2), dbSNP rs767558988, ClinGen allele CA405646172.